The following is an entry in ClinVar:

NM_000343.4(SLC5A1):c.312+3G>A

Gene: SLC5A1 (solute carrier family 5 member 1; plus strand). Cytogenetic location: 22q12.3.
Variant type: single nucleotide variant.
Coding change: c.312+3G>A on transcript NM_000343.4 (MANE Select); 3 bases into the intron after coding-DNA position 312, G replaced by A.
Molecular consequence: intron variant.
Genome position (GRCh38, 1-based): chr22:32,067,042, G>A. VCF-style: chr22-32067042-G-A. GRCh37 (hg19) VCF-style: chr22-32463029-G-A.
Other names: c.-70+3G>A (NM_001256314.2).
Identifiers: ClinVar variation 341238 (VCV000341238.9), dbSNP rs200776237, ClinGen allele CA10197907.

ClinVar aggregate classification (germline): Uncertain significance. Review status: criteria provided, multiple submitters, no conflicts (2 of 4 stars). 3 submissions from 3 submitters: Uncertain significance (3). Last evaluated 2024-11-05.

Conditions:
Congenital glucose-galactose malabsorption (GGM). Also called: MONOSACCHARIDE MALABSORPTION; DIARRHEA 16. Identifiers: Orphanet 35710, MedGen C0268186, MONDO:0011731, OMIM 606824.

Allele frequency attached by ClinVar (database versions not stated): gnomAD exomes 0.00001 and 0.00002; ExAC 0.00002; gnomAD 0.00010 and 0.00011; TOPMed 0.00010; 1000 Genomes Project 30x 0.00016; 1000 Genomes Project 0.00020.
gnomAD v4.1: 46 of 1,602,174 alleles (0.0029%); highest among the groups gnomAD compares: African/African-American, 0.045%; no homozygotes.

Submissions (3):

Labcorp Genetics (formerly Invitae), Labcorp
Classification: Uncertain significance for Congenital glucose-galactose malabsorption. Last evaluated: 2024-11-05. Review status: criteria provided, single submitter. Criteria: Invitae Variant Classification Sherloc (09022015). Collection method: clinical testing. Allele origin: germline.
Comment: This sequence change falls in intron 3 of the SLC5A1 gene. It does not directly change the encoded amino acid sequence of the SLC5A1 protein. It affects a nucleotide within the consensus splice site. This variant is present in population databases (rs200776237, gnomAD 0.01%). This variant has not been reported in the literature in individuals affected with SLC5A1-related conditions. ClinVar contains an entry for this variant (Variation ID: 341238). Variants that disrupt the consensus splice site are a relatively common cause of aberrant splicing (PMID: 17576681, 9536098). Algorithms developed to predict the effect of sequence changes on RNA splicing suggest that this variant is not likely to affect RNA splicing. In summary, the available evidence is currently insufficient to determine the role of this variant in disease. Therefore, it has been classified as a Variant of Uncertain Significance.

Baylor Genetics
Classification: Uncertain significance for Congenital glucose-galactose malabsorption. Last evaluated: 2019-11-27. Review status: criteria provided, single submitter. Criteria: ACMG Guidelines, 2015. Collection method: clinical testing. Allele origin: unknown. Affected: yes.
Comment: This variant was determined to be of uncertain significance according to ACMG Guidelines, 2015 [PMID:25741868].

Illumina Laboratory Services, Illumina
Classification: Uncertain significance for Congenital glucose-galactose malabsorption. Last evaluated: 2018-01-13. Review status: criteria provided, single submitter. Criteria: ICSL Variant Classification Criteria 13 December 2019. Collection method: clinical testing. Allele origin: germline.

Literature cited by the submitters: PubMed 17576681 (cited by Labcorp Genetics (formerly Invitae), Labcorp); PubMed 9536098 (cited by Labcorp Genetics (formerly Invitae), Labcorp).